The following is an entry in ClinVar:

ClinVar aggregate classification (germline): Pathogenic/Likely pathogenic. Review status: criteria provided, multiple submitters, no conflicts (2 of 4 stars). 3 submissions from 3 submitters: Pathogenic (1); Likely pathogenic (2). Last evaluated 2024-08-12.

Conditions:
COL2A1-related disorder. Also called: COL2A1-related condition; COL2A1-related disorders.
Spondyloepiphyseal dysplasia congenita (SEDC). Also called: SED CONGENITA; SPONDYLOEPIPHYSEAL DYSPLASIA, CONGENITAL TYPE. Identifiers: Orphanet 94068, MedGen C2745959, MONDO:0008471, OMIM 183900.

Submissions (3):

Labcorp Genetics (formerly Invitae), Labcorp
Classification: Likely pathogenic. Last evaluated: 2024-08-12. Review status: criteria provided, single submitter. Criteria: Invitae Variant Classification Sherloc (09022015). Collection method: clinical testing. Allele origin: germline.
Comment: This sequence change replaces glycine, which is neutral and non-polar, with serine, which is neutral and polar, at codon 1110 of the COL2A1 protein (p.Gly1110Ser). This variant is not present in population databases (gnomAD no frequency). This missense change has been observed in individual(s) with spondyloepiphyseal dysplasia congenita (PMID: 26626311). Experimental studies and prediction algorithms are not available or were not evaluated, and the functional significance of this variant is currently unknown. This variant disrupts the triple helix domain of COL2A1. Glycine residues within the Gly-Xaa-Yaa repeats of the triple helix domain are required for the structure and stability of fibrillar collagens (PMID: 7695699, 8218237, 19344236). In COL2A1, variants affecting these glycine residues are significantly enriched in individuals with disease (PMID: 9016532, 17078022) compared to the general population (ExAC). This variant disrupts the p.Gly1110 amino acid residue in COL2A1. Other variant(s) that disrupt this residue have been observed in individuals with COL2A1-related conditions (PMID: 9101290, 26626311), which suggests that this may be a clinically significant amino acid residue. In summary, the currently available evidence indicates that the variant is pathogenic, but additional data are needed to prove that conclusively. Therefore, this variant has been classified as Likely Pathogenic.

Blueprint Genetics
Classification: Likely pathogenic for COL2A1-related disorders. Last evaluated: 2017-11-20. Review status: criteria provided, single submitter. Criteria: ACMG Guidelines, 2015. Collection method: clinical testing. Allele origin: germline. Affected: yes. Observed: 1 variant allele.

Clinical Biomedical Laboratory, Shriners Hospital For Children - Canada
Classification: Pathogenic for Spondyloepiphyseal dysplasia congenita. Review status: criteria provided, single submitter. Criteria: ACMG Guidelines, 2015. Collection method: clinical testing. Allele origin: germline. Affected: yes.
Comment: This variant is predicted to substitute a glycine residue by a serine residue in the triple helical domain of the collagen type II alpha 1 chain. The variant is absent in the Genome Aggregation Database (gnomAD v2.1.1), indicating it is very rare. Computational tools (REVEL: 0.985) suggest that the amino acid change is damaging to protein function. Glycine substitutions in the triple helical domain of the collagen type II alpha 1 chain cause disruption in the formation of the triple helix in the collagen type II molecule and are a typical cause of COL2A1-related bone dysplasias. Based on the ACMG variant interpretation guidelines (criteria: PS3, PM2, PM5, PP2, PP3, PP4, PM6), the available evidence supports classification of this variant as pathogenic.

Literature cited by the submitters: PubMed 26626311 (cited by Labcorp Genetics (formerly Invitae), Labcorp); PubMed 7695699 (cited by Labcorp Genetics (formerly Invitae), Labcorp); PubMed 8218237 (cited by Labcorp Genetics (formerly Invitae), Labcorp); PubMed 19344236 (cited by Labcorp Genetics (formerly Invitae), Labcorp); PubMed 9016532 (cited by Labcorp Genetics (formerly Invitae), Labcorp); PubMed 17078022 (cited by Labcorp Genetics (formerly Invitae), Labcorp); PubMed 9101290 (cited by Labcorp Genetics (formerly Invitae), Labcorp).

NM_001844.5(COL2A1):c.3328G>A (p.Gly1110Ser)

Gene: COL2A1 (collagen type II alpha 1 chain; minus strand). Cytogenetic location: 12q13.11.
Variant type: single nucleotide variant.
Coding change: c.3328G>A on transcript NM_001844.5 (MANE Select); coding-DNA position 3328, G replaced by A.
Protein change: p.Gly1110Ser; replaces glycine 1110 with serine.
Molecular consequence: missense variant.
Genome position (GRCh38, 1-based): chr12:47,976,919, C>T on the plus strand (G>A on the coding strand, the complement: COL2A1 is on the minus strand). VCF-style: chr12-47976919-C-T. GRCh37 (hg19) VCF-style: chr12-48370702-C-T.
Other names: c.3121G>A, p.Gly1041Ser (NM_033150.3); short protein forms G1041S, G1110S.
Identifiers: ClinVar variation 3721123 (VCV003721123.4).
Genomic context (GRCh38, chr12:47,976,919, plus strand): 5'-TCAGGCCTCTCTCGCCAGGCTCTCCAGCCTCTCCTTTGTCACCTCTGGGGCCTTGAGGAC[C>T]CTGGGAACAAGACAGACACCGATTGAGTCAGGTCAGGGCCAGGACAGGAGCCCCCTCCTG-3'
Protein context (NP_001835.3, residues 1100-1120): SGPAGARGIQ[Gly1110Ser]PQGPRGDKGE